The following is an entry in ClinVar:

ClinVar aggregate classification (germline): Uncertain significance (1 of 4 stars; one submission).

gnomAD v4.1: 13 of 1,607,342 alleles (0.00081%); highest among the groups gnomAD compares: South Asian, 0.0011%; no homozygotes.

Submission:

Ambry Genetics
Classification: Uncertain significance. Last evaluated: 2024-11-21. Review status: criteria provided, single submitter. Criteria: Ambry Variant Classification Scheme 2023. Collection method: clinical testing. Allele origin: germline.
Comment: The p.S1875F variant (also known as c.5624C>T), located in coding exon 22 of the WNK2 gene, results from a C to T substitution at nucleotide position 5624. The serine at codon 1875 is replaced by phenylalanine, an amino acid with highly dissimilar properties. This amino acid position is conserved. In addition, the in silico prediction for this alteration is inconclusive. Based on the available evidence, the clinical significance of this variant remains unclear.

NM_006648.4(WNK2):c.5624C>T (p.Ser1875Phe)

Gene: WNK2 (WNK lysine deficient protein kinase 2; plus strand). Cytogenetic location: 9q22.31.
Variant type: single nucleotide variant.
Coding change: c.5624C>T on transcript NM_006648.4 (MANE Select); coding-DNA position 5624, C replaced by T.
Protein change: p.Ser1875Phe; replaces serine 1875 with phenylalanine.
Molecular consequence: missense variant.
Genome position (GRCh38, 1-based): chr9:93,293,089, C>T. VCF-style: chr9-93293089-C-T. GRCh37 (hg19) VCF-style: chr9-96055371-C-T.
Other names: c.5735C>T, p.Ser1912Phe (NM_001282394.3); short protein forms S1875F, S1912F.
Identifiers: ClinVar variation 3470276 (VCV003470276.1).
Genomic context (GRCh38, chr9:93,293,089, plus strand): 5'-CCGAGACACCCAGCAGGGTGGGCATGAAGGTCCCCACGATCAGCGTGACCTCCTTCCATT[C>T]CCAGTCGTCCTACATCAGCAGCGACAATGATTCGGAGCTCGAGGATGCTGACATAAAGAA-3'
Protein context (NP_006639.3, residues 1865-1885): VPTISVTSFH[Ser1875Phe]QSSYISSDND